The following is an entry in ClinVar:

NM_000388.4(CASR):c.205C>T (p.Arg69Cys)

Gene: CASR (calcium sensing receptor; plus strand). Cytogenetic location: 3q21.1.
Variant type: single nucleotide variant.
Coding change: c.205C>T on transcript NM_000388.4 (MANE Select); coding-DNA position 205, C replaced by T.
Protein change: p.Arg69Cys; replaces arginine 69 with cysteine.
Molecular consequence: missense variant.
Genome position (GRCh38, 1-based): chr3:122,257,100, C>T. VCF-style: chr3-122257100-C-T. GRCh37 (hg19) VCF-style: chr3-121975947-C-T.
Other names: c.205C>T, p.Arg69Cys (NM_001178065.2); short protein forms R69C.
Identifiers: ClinVar variation 1396892 (VCV001396892.16), dbSNP rs1313627454, ClinGen allele CA354362381.

ClinVar aggregate classification (germline): Conflicting classifications of pathogenicity. Review status: criteria provided, conflicting classifications (1 of 4 stars). 5 submissions from 5 submitters: Likely pathogenic (1); Uncertain significance (4). Last evaluated 2025-03-04.

Conditions:
Autosomal dominant hypocalcemia 1 (HYPOC1). Also called: HYPOCALCEMIA, FAMILIAL. Identifiers: MedGen C3715128, MONDO:0011013, OMIM 601198.
Familial hypocalciuric hypercalcemia (FHH). Also called: Familial benign hypercalcemia. Identifiers: Orphanet 405, MedGen C1809471, MONDO:0018458.
CASR-related disorder. Also called: CASR-related condition.
Familial hypocalciuric hypercalcemia 1. Also called: Hypercalcemia, familial benign type 1. Identifiers: Orphanet 405, Orphanet 93372, MedGen C0342637, MONDO:0007791, OMIM 145980.
Neonatal severe primary hyperparathyroidism. Identifiers: Orphanet 417, MedGen C1832615, MONDO:0009397, OMIM 239200.
Epilepsy, idiopathic generalized, susceptibility to, 8. Identifiers: MedGen C2752062, MONDO:0013032, OMIM 612899.

Allele frequency attached by ClinVar (database versions not stated): gnomAD exomes below 0.00001.

Submissions (5):

Center for Genomic Medicine, Rigshospitalet, Copenhagen University Hospital
Classification: Uncertain significance. Last evaluated: 2025-03-04. Review status: criteria provided, single submitter. Criteria: ACMG Guidelines, 2015. Collection method: clinical testing. Allele origin: germline.

Labcorp Genetics (formerly Invitae), Labcorp
Classification: Uncertain significance for Familial hypocalciuric hypercalcemia; Autosomal dominant hypocalcemia 1. Last evaluated: 2025-01-30. Review status: criteria provided, single submitter. Criteria: Invitae Variant Classification Sherloc (09022015). Collection method: clinical testing. Allele origin: germline.
Comment: This sequence change replaces arginine, which is basic and polar, with cysteine, which is neutral and slightly polar, at codon 69 of the CASR protein (p.Arg69Cys). This variant is not present in population databases (gnomAD no frequency). This missense change has been observed in individual(s) with clinical features of CASR-related conditions (PMID: 22422767, 31433865). ClinVar contains an entry for this variant (Variation ID: 1396892). An algorithm developed to predict the effect of missense changes on protein structure and function (PolyPhen-2) suggests that this variant is likely to be disruptive. This variant disrupts the p.Arg69 amino acid residue in CASR. Other variant(s) that disrupt this residue have been determined to be pathogenic (PMID: 22331334, 24947037, 25828954, 26855056, 26963950, 31672324, 32761341, 33258288). This suggests that this residue is clinically significant, and that variants that disrupt this residue are likely to be disease-causing. In summary, the available evidence is currently insufficient to determine the role of this variant in disease. Therefore, it has been classified as a Variant of Uncertain Significance.

Fulgent Genetics
Classification: Uncertain significance for Familial hypocalciuric hypercalcemia 1; Neonatal severe primary hyperparathyroidism; Autosomal dominant hypocalcemia 1; Epilepsy, idiopathic generalized, susceptibility to, 8. Last evaluated: 2024-04-16. Review status: criteria provided, single submitter. Criteria: ACMG Guidelines, 2015. Collection method: clinical testing. Allele origin: germline.

Women's Health and Genetics/Laboratory Corporation of America, LabCorp
Classification: Uncertain significance. Last evaluated: 2022-07-05. Review status: criteria provided, single submitter. Criteria: LabCorp Variant Classification Summary - May 2015. Collection method: clinical testing. Allele origin: germline.
Comment: Variant summary: CASR c.205C>T (p.Arg69Cys) results in a non-conservative amino acid change located in the Receptor, ligand binding region domain (IPR001828) of the encoded protein sequence. Five of five in-silico tools predict a damaging effect of the variant on protein function. The variant was absent in 251300 control chromosomes. c.205C>T has been reported in the literature in at-least two reports of its presence in individuals affected with Familial Hypocalciuric Hypercalcemia (example, Hannan_2012, Nissen_2019, Gorvin_2019). These data indicate that the variant may be associated with disease. To our knowledge, no experimental evidence demonstrating an impact on protein function has been reported. One clinical diagnostic laboratory has submitted clinical-significance assessments for this variant to ClinVar after 2014 without evidence for independent evaluation and classified the variant as uncertain significance. Based on the evidence outlined above, the variant was classified as VUS-possibly pathogenic.

Blueprint Genetics
Classification: Likely pathogenic for CASR-related disorders. Last evaluated: 2020-02-24. Review status: criteria provided, single submitter. Criteria: ACMG Guidelines, 2015. Collection method: clinical testing. Allele origin: germline. Affected: yes. Observed: 1 variant allele.

Literature cited by the submitters: PubMed 22422767 (cited by 3 submitters); PubMed 31433865 (cited by Labcorp Genetics (formerly Invitae), Labcorp and Women's Health and Genetics/Laboratory Corporation of America, LabCorp); PubMed 22331334 (cited by Labcorp Genetics (formerly Invitae), Labcorp); PubMed 24947037 (cited by Labcorp Genetics (formerly Invitae), Labcorp); PubMed 25828954 (cited by Labcorp Genetics (formerly Invitae), Labcorp); PubMed 26855056 (cited by Labcorp Genetics (formerly Invitae), Labcorp); PubMed 26963950 (cited by Labcorp Genetics (formerly Invitae), Labcorp); PubMed 31672324 (cited by Labcorp Genetics (formerly Invitae), Labcorp); PubMed 32761341 (cited by Labcorp Genetics (formerly Invitae), Labcorp); PubMed 33258288 (cited by Labcorp Genetics (formerly Invitae), Labcorp); PubMed 31189130 (cited by Women's Health and Genetics/Laboratory Corporation of America, LabCorp).